The following is an entry in ClinVar:

ClinVar aggregate classification (germline): Benign/Likely benign. Review status: criteria provided, multiple submitters, no conflicts (2 of 4 stars). 6 submissions from 6 submitters: Benign (1); Likely benign (5). Last evaluated 2025-12-18.

Conditions:
Juvenile polyposis syndrome (JPS). Identifiers: Orphanet 2929, MedGen C0345893, MONDO:0017380, OMIM 174900.
Hereditary cancer-predisposing syndrome. Also called: Tumor predisposition; Hereditary Cancer Syndrome; Neoplastic Syndromes, Hereditary; Hereditary neoplastic syndrome. Identifiers: Orphanet 140162, MedGen C0027672, MeSH D009386, MONDO:0015356.

Allele frequency attached by ClinVar (database versions not stated): TOPMed below 0.00001; gnomAD exomes 0.00001.
gnomAD v4.1: 3 of 1,613,190 alleles (0.00019%); highest among the groups gnomAD compares: African/African-American, 0.0013%; no homozygotes.

Submissions (6):

Labcorp Genetics (formerly Invitae), Labcorp
Classification: Likely benign for Juvenile polyposis syndrome. Last evaluated: 2025-12-18. Review status: criteria provided, single submitter. Criteria: Invitae Variant Classification Sherloc (09022015). Collection method: clinical testing. Allele origin: germline.

Myriad Genetics, Inc.
Classification: Benign for Juvenile polyposis syndrome. Last evaluated: 2024-08-06. Review status: criteria provided, single submitter. Criteria: Myriad Autosomal Dominant, Autosomal Recessive and X-Linked Classification Criteria (2023). Collection method: clinical testing. Allele origin: unknown.
Comment: This variant is considered benign. This variant is a silent/synonymous amino acid change and it is not expected to impact splicing.

All of Us Research Program, National Institutes of Health
Classification: Likely benign for Juvenile polyposis syndrome. Last evaluated: 2023-11-30. Review status: criteria provided, single submitter. Criteria: ACMG Guidelines, 2015. Collection method: clinical testing. Allele origin: germline. Inheritance: Autosomal dominant inheritance. Observed: 3 variant alleles, 3 heterozygotes.
Comment: This study involves interpretation of variants in research participants for the purpose of population health screening. Participant phenotype was not available at the time of variant classification. Additional details can be found in publication PMID: 35346344, PMCID: PMC8962531

Ambry Genetics
Classification: Likely benign for Hereditary cancer-predisposing syndrome. Last evaluated: 2019-11-11. Review status: criteria provided, single submitter. Criteria: Ambry Variant Classification Scheme 2023. Collection method: clinical testing. Allele origin: germline.

Women's Health and Genetics/Laboratory Corporation of America, LabCorp
Classification: Likely benign. Last evaluated: 2019-11-09. Review status: criteria provided, single submitter. Criteria: LabCorp Variant Classification Summary - May 2015. Collection method: clinical testing. Allele origin: germline.

Color Diagnostics, LLC DBA Color Health
Classification: Likely benign for Hereditary cancer-predisposing syndrome. Last evaluated: 2017-04-20. Review status: criteria provided, single submitter. Criteria: ACMG Guidelines, 2015. Collection method: clinical testing. Allele origin: germline.

NM_004329.3(BMPR1A):c.1101C>T (p.Asn367=)

Gene: BMPR1A (bone morphogenetic protein receptor type 1A; plus strand). Cytogenetic location: 10q23.2.
Variant type: single nucleotide variant.
Coding change: c.1101C>T on transcript NM_004329.3 (MANE Select); coding-DNA position 1101, C replaced by T.
Protein change: p.Asn367=; no amino-acid change (asparagine 367 retained).
Molecular consequence: synonymous variant.
Genome position (GRCh38, 1-based): chr10:86,919,404, C>T. VCF-style: chr10-86919404-C-T. GRCh37 (hg19) VCF-style: chr10-88679161-C-T.
Identifiers: ClinVar variation 215827 (VCV000215827.21), dbSNP rs863224394, ClinGen allele CA335998.